The following is an entry in ClinVar:

ClinVar aggregate classification (germline): Uncertain significance (1 of 4 stars; one submission).

Submission:

Labcorp Genetics (formerly Invitae), Labcorp
Classification: Uncertain significance. Last evaluated: 2026-01-12. Review status: criteria provided, single submitter. Criteria: Invitae Variant Classification Sherloc (09022015). Collection method: clinical testing. Allele origin: germline.
Comment: This sequence change replaces threonine, which is neutral and polar, with isoleucine, which is neutral and non-polar, at codon 1446 of the SZT2 protein (p.Thr1446Ile). This variant is not present in population databases (gnomAD no frequency). This variant has not been reported in the literature in individuals affected with SZT2-related conditions. ClinVar contains an entry for this variant (Variation ID: 651765). Invitae Evidence Modeling of protein sequence and biophysical properties (such as structural, functional, and spatial information, amino acid conservation, physicochemical variation, residue mobility, and thermodynamic stability) indicates that this missense variant is not expected to disrupt SZT2 protein function with a negative predictive value of 80%. In summary, the available evidence is currently insufficient to determine the role of this variant in disease. Therefore, it has been classified as a Variant of Uncertain Significance.

NM_001365999.1(SZT2):c.4508C>T (p.Thr1503Ile)

Gene: SZT2 (SZT2 subunit of KICSTOR complex; plus strand). Cytogenetic location: 1p34.2.
Variant type: single nucleotide variant.
Coding change: c.4508C>T on transcript NM_001365999.1 (MANE Select); coding-DNA position 4508, C replaced by T.
Protein change: p.Thr1503Ile; replaces threonine 1503 with isoleucine.
Molecular consequence: missense variant.
Genome position (GRCh38, 1-based): chr1:43,430,523, C>T. VCF-style: chr1-43430523-C-T. GRCh37 (hg19) VCF-style: chr1-43896194-C-T.
Other names: c.4337C>T, p.Thr1446Ile (NM_015284.4); short protein forms T1446I, T1503I.
Identifiers: ClinVar variation 651765 (VCV000651765.9), dbSNP rs1570668129, ClinGen allele CA340021629.
Genomic context (GRCh38, chr1:43,430,523, plus strand): 5'-CTCTCTCATTGACCATGTGACATGCACTACTAGGAGACACATCTGCCTGCTGTGTGGTCA[C>T]TGAGAGTGACCCAGAGCTAGAGGTAGAATACCGGGAGAGCCGTGAATCAGACCTGGGGCC-3'
Protein context (NP_001352928.1, residues 1493-1513): EGDTSACCVV[Thr1503Ile]ESDPELEVEY